The following is an entry in ClinVar:

NM_001330260.2(SCN8A):c.182C>T (p.Ala61Val)

Genes: SCN8A (sodium voltage-gated channel alpha subunit 8; plus strand), LOC114803470 (SCN8A eExon liver enhancer; plus strand). Cytogenetic location: 12q13.13.
Variant type: single nucleotide variant.
Coding change: c.182C>T on transcript NM_001330260.2 (MANE Select); coding-DNA position 182, C replaced by T.
Protein change: p.Ala61Val; replaces alanine 61 with valine.
Molecular consequence: missense variant.
Genome position (GRCh38, 1-based): chr12:51,662,999, C>T. VCF-style: chr12-51662999-C-T. GRCh37 (hg19) VCF-style: chr12-52056783-C-T.
Other names: c.182C>T, p.Ala61Val (NM_001177984.3, NM_001369788.1, NM_014191.4); short protein forms A61V.
Identifiers: ClinVar variation 1320794 (VCV001320794.2), dbSNP rs2138671327, ClinGen allele CA385228198.

ClinVar aggregate classification (germline): Uncertain significance (1 of 4 stars; one submission).

Submission:

GeneDx
Classification: Uncertain significance. Last evaluated: 2020-06-29. Review status: criteria provided, single submitter. Criteria: GeneDx Variant Classification Process June 2021. Collection method: clinical testing. Allele origin: germline. Affected: yes.
Comment: Not observed in large population cohorts (Lek et al., 2016); Missense variants in this gene are often considered pathogenic (Stenson et al., 2014); In silico analysis supports that this missense variant has a deleterious effect on protein structure/function; Has not been previously published as pathogenic or benign to our knowledge